The following is an entry in ClinVar:

ClinVar aggregate classification (germline): Uncertain significance (1 of 4 stars; one submission).

Conditions:
Leigh syndrome (NULS). Also called: Subacute necrotizing encephalopathy; Necrotizing encephalopathy infantile subacute of Leigh; Leigh Disease; Leigh's necrotizing encephalopathy; Leigh's disease; Leigh Syndrome (mtDNA deletion). Identifiers: Orphanet 506, MedGen C2931891, MONDO:0009723, OMIM 256000.

Submission:

Labcorp Genetics (formerly Invitae), Labcorp
Classification: Uncertain significance for Leigh syndrome. Last evaluated: 2025-01-14. Review status: criteria provided, single submitter. Criteria: Invitae Variant Classification Sherloc (09022015). Collection method: clinical testing. Allele origin: germline.
Comment: This sequence change replaces valine, which is neutral and non-polar, with isoleucine, which is neutral and non-polar, at codon 143 of the SURF1 protein (p.Val143Ile). This variant is present in population databases (no rsID available, gnomAD 0.003%). This variant has not been reported in the literature in individuals affected with SURF1-related conditions. Invitae Evidence Modeling of protein sequence and biophysical properties (such as structural, functional, and spatial information, amino acid conservation, physicochemical variation, residue mobility, and thermodynamic stability) indicates that this missense variant is not expected to disrupt SURF1 protein function with a negative predictive value of 95%. In summary, the available evidence is currently insufficient to determine the role of this variant in disease. Therefore, it has been classified as a Variant of Uncertain Significance.

NM_003172.4(SURF1):c.427G>A (p.Val143Ile)

Gene: SURF1 (SURF1 cytochrome c oxidase assembly factor; minus strand). Cytogenetic location: 9q34.2.
Variant type: single nucleotide variant.
Coding change: c.427G>A on transcript NM_003172.4 (MANE Select); coding-DNA position 427, G replaced by A.
Protein change: p.Val143Ile; replaces valine 143 with isoleucine.
Molecular consequence: missense variant.
Genome position (GRCh38, 1-based): chr9:133,353,837, C>T on the plus strand (G>A on the coding strand, the complement: SURF1 is on the minus strand). VCF-style: chr9-133353837-C-T. GRCh37 (hg19) VCF-style: chr9-136220692-C-T.
Other names: c.100G>A, p.Val34Ile (NM_001280787.1); short protein forms V34I, V143I.
Identifiers: ClinVar variation 3675476 (VCV003675476.1).
Genomic context (GRCh38, chr9:133,353,837, plus strand): 5'-CCACATAGGCCCCACTCTGAGTTGAGGAGGAGATGAGGCCGCCCTCCCGGGCCTCCCGGA[C>T]AGGGTCCACCATGGTCCGGGGCATCATATACAGCTCCTTGGAATGGTCAAAGCACCCCCT-3'
Protein context (NP_003163.1, residues 133-153): YMMPRTMVDP[Val143Ile]REAREGGLIS